The following is an entry in ClinVar:

ClinVar aggregate classification (germline): Pathogenic/Likely pathogenic. Review status: criteria provided, multiple submitters, no conflicts (2 of 4 stars). 2 submissions from 2 submitters: Pathogenic (1); Likely pathogenic (1). Last evaluated 2025-12-22.

Conditions:
ALG6-congenital disorder of glycosylation 1C (CDG1C). Also called: CARBOHYDRATE-DEFICIENT GLYCOPROTEIN SYNDROME, TYPE I, WITH DEFICIENT GLYCOSYLATION OF DOLICHOL-LINKED OLIGOSACCHARIDE; CARBOHYDRATE-DEFICIENT GLYCOPROTEIN SYNDROME, TYPE V; Congenital disorder of glycosylation type 1C; CDG Ic; Congenital disorder of glycosylation, type Ic. Identifiers: Orphanet 79320, MedGen C2930997, MONDO:0011291, OMIM 603147.

Submissions (2):

Natera, Inc.
Classification: Likely pathogenic for Congenital disorder of glycosylation type 1c. Last evaluated: 2025-12-22. Review status: criteria provided, single submitter. Criteria: Natera Variant Classification Schema (03/2026). Collection method: clinical testing. Allele origin: germline.
Comment: The c.12G>A variant in ALG6 is a nonsense variant predicted to introduce a stop codon at amino acid 4. This variant is expected to result in nonsense mediated decay, truncation, or a dysfunctional protein product. This variant is rare in the general population with a frequency below the threshold expected for the associated phenotype(s). Given the available evidence, this variant is classified as Likely Pathogenic.

Labcorp Genetics (formerly Invitae), Labcorp
Classification: Pathogenic for ALG6-congenital disorder of glycosylation 1C. Last evaluated: 2023-05-01. Review status: criteria provided, single submitter. Criteria: Invitae Variant Classification Sherloc (09022015). Collection method: clinical testing. Allele origin: germline.
Comment: For these reasons, this variant has been classified as Pathogenic. This variant has not been reported in the literature in individuals affected with ALG6-related conditions. This variant is not present in population databases (gnomAD no frequency). This sequence change creates a premature translational stop signal (p.Trp4*) in the ALG6 gene. It is expected to result in an absent or disrupted protein product. Loss-of-function variants in ALG6 are known to be pathogenic (PMID: 19862844).

Literature cited by the submitters: PubMed 19862844 (cited by Labcorp Genetics (formerly Invitae), Labcorp).

NM_013339.4(ALG6):c.12G>A (p.Trp4Ter)

Gene: ALG6 (ALG6 alpha-1,3-glucosyltransferase; plus strand). Cytogenetic location: 1p31.3.
Variant type: single nucleotide variant.
Coding change: c.12G>A on transcript NM_013339.4 (MANE Select); coding-DNA position 12, G replaced by A.
Protein change: p.Trp4Ter; replaces tryptophan 4 with a stop codon.
Molecular consequence: nonsense.
Genome position (GRCh38, 1-based): chr1:63,370,989, G>A. VCF-style: chr1-63370989-G-A. GRCh37 (hg19) VCF-style: chr1-63836660-G-A.
Other names: c.12G>A (NM_013339.3); short protein forms W4*.
Identifiers: ClinVar variation 2861045 (VCV002861045.4), dbSNP rs752858908, ClinGen allele CA340636749.